The following is an entry in ClinVar:

NM_000368.5(TSC1):c.2042-14dup

Gene: TSC1 (TSC complex subunit 1; minus strand). Cytogenetic location: 9q34.13.
Variant type: Duplication.
Coding change: c.2042-14dup on transcript NM_000368.5 (MANE Select); 14 bases into the intron before coding-DNA position 2042, one base duplicated (T; older notation c.2042-14dupT).
Molecular consequence: intron variant.
Genome position (GRCh38, 1-based): chr9:132,903,831, A duplicated on the plus strand (T on the coding strand, the reverse complement: TSC1 is on the minus strand). VCF-style (leftmost placement, unchanged base first): chr9-132903830-C-CA. GRCh37 (hg19) VCF-style: chr9-135779217-C-CA.
Other names: c.1679-14dup (NM_001362177.2); c.1889-14dup (NM_001162427.2); c.2039-14dup (NM_001162426.2).
Identifiers: ClinVar variation 1628140 (VCV001628140.9), dbSNP rs1845513047, ClinGen allele CA1882411424.
Genomic context (GRCh38, chr9:132,903,830, plus strand): 5'-AAAGCAACTGGTCTCGGAGGGTGCGGATCTCATCTGAAGGAGGAGAGCCTGATTGTAAAG[C>CA]AGAGGGAGGGTGGCAGAAATGCCTTTTACAGATGGTTCAATCAAGCCCCCTTCCCATGTG-3'

ClinVar aggregate classification (germline): Likely benign. Review status: criteria provided, multiple submitters, no conflicts (2 of 4 stars). 2 submissions from 2 submitters: Likely benign (2). Last evaluated 2025-04-24.

Conditions:
Tuberous sclerosis 1 (TSC1). Identifiers: Orphanet 805, MedGen C1854465, MONDO:0008612, OMIM 191100.

Allele frequency attached by ClinVar (database versions not stated): TOPMed 0.00001.

Submissions (2):

Myriad Genetics, Inc.
Classification: Likely benign for Tuberous sclerosis 1. Last evaluated: 2025-04-24. Review status: criteria provided, single submitter. Criteria: Myriad Autosomal Dominant, Autosomal Recessive and X-Linked Classification Criteria (2023). Collection method: clinical testing. Allele origin: unknown.
Comment: This variant is considered likely benign. This variant is intronic and is not expected to impact mRNA splicing.

Labcorp Genetics (formerly Invitae), Labcorp
Classification: Likely benign for Tuberous sclerosis 1. Last evaluated: 2023-09-17. Review status: criteria provided, single submitter. Criteria: Invitae Variant Classification Sherloc (09022015). Collection method: clinical testing. Allele origin: germline.